The following is an entry in ClinVar:

NM_001384140.1(PCDH15):c.206C>T (p.Pro69Leu)

Gene: PCDH15 (protocadherin related 15; minus strand). Cytogenetic location: 10q21.1.
Variant type: single nucleotide variant.
Coding change: c.206C>T on transcript NM_001384140.1 (MANE Select); coding-DNA position 206, C replaced by T.
Protein change: p.Pro69Leu; replaces proline 69 with leucine.
Molecular consequence: missense variant.
Genome position (GRCh38, 1-based): chr10:54,378,894, G>A on the plus strand (C>T on the coding strand, the complement: PCDH15 is on the minus strand). VCF-style: chr10-54378894-G-A. GRCh37 (hg19) VCF-style: chr10-56138654-G-A.
Other names: c.221C>T, p.Pro74Leu (NM_001142763.2, NM_001142769.4, NM_001142771.2); c.206C>T, p.Pro69Leu (NM_001142764.2, NM_001142765.2, NM_001142766.2 and 8 more transcripts); c.140C>T, p.Pro47Leu (NM_001142768.2, NM_001142773.2, NM_001354404.2); short protein forms P47L, P69L, P74L.
Identifiers: ClinVar variation 1061164 (VCV001061164.6), dbSNP rs769113786, ClinGen allele CA5506761.
Genomic context (GRCh38, chr10:54,378,894, plus strand): 5'-GGATCCATCAACACCCAGTAATCCACATTATCCTTTAAAGAAAGTTCTATGGTGGGGTCT[G>A]GTCCTCCAGCAGTCCCTTTGATCAGCATGTTGTCCACCAGAATTGTACCTGCAAACCAAA-3'
Protein context (NP_001371069.1, residues 59-79): NMLIKGTAGG[Pro69Leu]DPTIELSLKD

ClinVar aggregate classification (germline): Uncertain significance (1 of 4 stars; one submission).

Allele frequency attached by ClinVar (database versions not stated): gnomAD exomes below 0.00001; TOPMed below 0.00001; ExAC 0.00001; gnomAD 0.00001.
gnomAD v4.1: 2 of 1,613,604 alleles (0.00012%); highest among the groups gnomAD compares: Non-Finnish European, 0.00017%; no homozygotes.

Submission:

Labcorp Genetics (formerly Invitae), Labcorp
Classification: Uncertain significance. Last evaluated: 2021-08-31. Review status: criteria provided, single submitter. Criteria: Invitae Variant Classification Sherloc (09022015). Collection method: clinical testing. Allele origin: germline.
Comment: This sequence change replaces proline with leucine at codon 69 of the PCDH15 protein (p.Pro69Leu). The proline residue is moderately conserved and there is a moderate physicochemical difference between proline and leucine. This variant is present in population databases (rs769113786, ExAC 0.001%). This variant has not been reported in the literature in individuals affected with PCDH15-related conditions. Algorithms developed to predict the effect of missense changes on protein structure and function are either unavailable or do not agree on the potential impact of this missense change (SIFT: "Deleterious"; PolyPhen-2: "Probably Damaging"; Align-GVGD: "Class C0"). In summary, the available evidence is currently insufficient to determine the role of this variant in disease. Therefore, it has been classified as a Variant of Uncertain Significance.